The following is an entry in ClinVar:

ClinVar aggregate classification (germline): Pathogenic (1 of 4 stars; one submission).

Conditions:
Neu-Laxova syndrome 2. Identifiers: Orphanet 2671, Orphanet 583602, MedGen C4015019, MONDO:0014466, OMIM 616038.

Submission:

Labcorp Genetics (formerly Invitae), Labcorp
Classification: Pathogenic for Neu-Laxova syndrome 2. Last evaluated: 2022-09-01. Review status: criteria provided, single submitter. Criteria: Invitae Variant Classification Sherloc (09022015). Collection method: clinical testing. Allele origin: germline.
Comment: For these reasons, this variant has been classified as Pathogenic. This variant has not been reported in the literature in individuals affected with PSAT1-related conditions. This variant is a gross deletion of the genomic region encompassing exon(s) 2-3 of the PSAT1 gene. This deletion is out-of-frame, and is expected to create a premature termination codon and result in an absent or disrupted protein product. Loss-of-function variants in PSAT1 are known to be pathogenic (PMID: 17436247, 25152457).

Literature cited by the submitters: PubMed 17436247; PubMed 25152457.

NC_000009.11:g.(?_80915498)_(80916959_?)del

Gene: PSAT1 (phosphoserine aminotransferase 1; plus strand). Cytogenetic location: 9q21.2.
Variant type: Deletion.
Identifiers: ClinVar variation 1456971 (VCV001456971.7).